The following is an entry in ClinVar:

ClinVar aggregate classification (germline): Uncertain significance (1 of 4 stars; one submission).

Conditions:
RAI1-related disorder. Also called: RAI1-related condition.

Submission:

PreventionGenetics, part of Exact Sciences
Classification: Uncertain significance for RAI1-related condition. Last evaluated: 2025-09-02. Review status: criteria provided, single submitter. Criteria: ACMG Guidelines, 2015. Collection method: clinical testing. Allele origin: germline.
Comment: The RAI1 c.4121G>A variant is predicted to result in the amino acid substitution p.Ser1374Asn. To our knowledge, this variant has not been reported in the literature or in a large population database (gnomAD), indicating this variant is rare. At this time, the clinical significance of this variant is uncertain due to the absence of conclusive functional and genetic evidence.

NM_030665.4(RAI1):c.4121G>A (p.Ser1374Asn)

Gene: RAI1 (retinoic acid induced 1; plus strand). Cytogenetic location: 17p11.2.
Variant type: single nucleotide variant.
Coding change: c.4121G>A on transcript NM_030665.4 (MANE Select); coding-DNA position 4121, G replaced by A.
Protein change: p.Ser1374Asn; replaces serine 1374 with asparagine.
Molecular consequence: missense variant.
Genome position (GRCh38, 1-based): chr17:17,797,069, G>A. VCF-style: chr17-17797069-G-A. GRCh37 (hg19) VCF-style: chr17-17700383-G-A.
Other names: short protein forms S1374N.
Identifiers: ClinVar variation 4995042 (VCV004995042.1).
Genomic context (GRCh38, chr17:17,797,069, plus strand): 5'-GTAATCCTCTGAGCCCATCCCTTTCCGACAAAGACCGTGGGCTCAAGGGTGCTGGGGGCA[G>A]CCCAGTGGGGGTGGAAGAAGGCCTGGTAAATGTGGGCACCGGGCAGAAGCTCCCAACTTC-3'
Protein context (NP_109590.3, residues 1364-1384): KDRGLKGAGG[Ser1374Asn]PVGVEEGLVN